The following is an entry in ClinVar:

ClinVar aggregate classification (germline): Pathogenic. Review status: criteria provided, single submitter (1 of 4 stars). 3 submissions from 2 submitters: Pathogenic (1). 2 of the submissions do not count toward it. Last evaluated 2021-08-04.

Conditions:
Episodic ataxia type 2 (EA2). Also called: ACETAZOLAMIDE-RESPONSIVE HEREDITARY PAROXYSMAL CEREBELLAR ATAXIA; ATAXIA, EPISODIC, WITH NYSTAGMUS; ATAXIA, FAMILIAL PAROXYSMAL; CEREBELLAR ATAXIA, PAROXYSMAL, ACETAZOLAMIDE-RESPONSIVE; CEREBELLOPATHY, HEREDITARY PAROXYSMAL; EPISODIC ATAXIA, NYSTAGMUS-ASSOCIATED. Identifiers: Orphanet 97, MedGen C1720416, MONDO:0007163, OMIM 108500.
DEVELOPMENTAL AND EPILEPTIC ENCEPHALOPATHY 42B (DEE42B). Identifiers: MedGen CN382336, OMIM 621692.

Submissions (3):

GeneDx
Classification: Pathogenic. Last evaluated: 2021-08-04. Review status: criteria provided, single submitter. Criteria: GeneDx Variant Classification Process June 2021. Collection method: clinical testing. Allele origin: germline. Affected: yes.
Comment: Nonsense variant predicted to result in protein truncation [or nonsense mediated decay] in a gene for which loss-of-function is a known mechanism of disease; Has not been previously published as pathogenic or benign to our knowledge; This variant is associated with the following publications: (PMID: 34267336)

OMIM
Classification: Pathogenic for DEVELOPMENTAL AND EPILEPTIC ENCEPHALOPATHY 42B. Last evaluated: 2026-09-17. Review status: no assertion criteria provided. Collection method: literature only. Allele origin: germline. Not counted in ClinVar's aggregate classification.

OMIM
Classification: Pathogenic for EPISODIC ATAXIA, TYPE 2. Last evaluated: 2026-09-17. Review status: no assertion criteria provided. Collection method: literature only. Allele origin: germline. Not counted in ClinVar's aggregate classification.

Literature cited by the submitters: PubMed 34267336 (cited by OMIM).

NM_001127222.2(CACNA1A):c.2764C>T (p.Arg922Ter)

Gene: CACNA1A (calcium voltage-gated channel subunit alpha1 A; minus strand). Cytogenetic location: 19p13.13.
Variant type: single nucleotide variant.
Coding change: c.2764C>T on transcript NM_001127222.2 (MANE Select); coding-DNA position 2764, C replaced by T.
Protein change: p.Arg922Ter; replaces arginine 922 with a stop codon.
Molecular consequence: nonsense.
Genome position (GRCh38, 1-based): chr19:13,298,869, G>A on the plus strand (C>T on the coding strand, the complement: CACNA1A is on the minus strand). VCF-style: chr19-13298869-G-A. GRCh37 (hg19) VCF-style: chr19-13409683-G-A.
Other names: c.2767C>T, p.Arg923Ter (NM_001127221.2, NM_001174080.2); c.2776C>T, p.Arg926Ter (NM_023035.3, NM_000068.4); short protein forms R922*, R923*, R926*.
Identifiers: ClinVar variation 1702752 (VCV001702752.3), dbSNP rs2144954990, ClinGen allele CA404342760.
Genomic context (GRCh38, chr19:13,298,869, plus strand): 5'-TCTCCCTGCTGCCCCCCTGCCGGTGCACGTGCCTCCGGTGGGGGTCCCCGGCCTTGCCTC[G>A]CTCGGCCTCGCCCTCCCAGAACCCGGGTTGCTCCAGGCTGCCCTCCCGGGCGTGGTGGTC-3'